The following is an entry in ClinVar:

NM_001287.6(CLCN7):c.48del (p.Asp16fs)

Genes: CLCN7 (chloride voltage-gated channel 7; minus strand), LOC130058166 (ATAC-STARR-seq lymphoblastoid silent region 6986; plus strand). Cytogenetic location: 16p13.3.
Variant type: Deletion.
Coding change: c.48del on transcript NM_001287.6 (MANE Select); coding-DNA position 48, one base deleted (C; older notation c.48delC).
Protein change: p.Asp16fs; shifts the reading frame from aspartic acid 16.
Molecular consequence: frameshift variant.
Genome position (GRCh38, 1-based): chr16:1,474,927, G deleted on the plus strand (C on the coding strand, the reverse complement: CLCN7 is on the minus strand). VCF-style (leftmost placement, unchanged base first): chr16-1474926-CG-C. GRCh37 (hg19) VCF-style: chr16-1524927-CG-C.
Other names: c.48del, p.Asp16fs (NM_001114331.3); short protein forms D16fs.
Identifiers: ClinVar variation 1451555 (VCV001451555.6), dbSNP rs2142410876, ClinGen allele CA2573151721.

ClinVar aggregate classification (germline): Pathogenic (1 of 4 stars; one submission).

Submission:

Labcorp Genetics (formerly Invitae), Labcorp
Classification: Pathogenic. Last evaluated: 2022-08-09. Review status: criteria provided, single submitter. Criteria: Invitae Variant Classification Sherloc (09022015). Collection method: clinical testing. Allele origin: germline.
Comment: For these reasons, this variant has been classified as Pathogenic. ClinVar contains an entry for this variant (Variation ID: 1451555). This variant has not been reported in the literature in individuals affected with CLCN7-related conditions. This variant is not present in population databases (gnomAD no frequency). This sequence change creates a premature translational stop signal (p.Asp16Glufs*22) in the CLCN7 gene. It is expected to result in an absent or disrupted protein product. Loss-of-function variants in CLCN7 are known to be pathogenic (PMID: 14584882, 19953639).

Literature cited by the submitters: PubMed 14584882; PubMed 19953639.